The following is an entry in ClinVar:

ClinVar aggregate classification (germline): Uncertain significance. Review status: criteria provided, multiple submitters, no conflicts (2 of 4 stars). 6 submissions from 6 submitters: Uncertain significance (6). Last evaluated 2026-01-05.

Conditions:
Hypertrophic cardiomyopathy 4. Also called: Familial hypertrophic cardiomyopathy 4. Identifiers: MedGen C1861862, MONDO:0007268, OMIM 115197.
Left ventricular noncompaction 10 (LVNC10). Identifiers: Orphanet 154, Orphanet 54260, MedGen C3715165, MONDO:0014163, OMIM 615396.
Cardiomyopathy (CMYO). Also called: Cardiomyopathies. Identifiers: Orphanet 167848, MedGen C0878544, MONDO:0004994, HP:0001638. Inheritance: Various modes of inheritance.
Hypertrophic cardiomyopathy. Also called: HYPERTROPHIC MYOCARDIOPATHY. Identifiers: Orphanet 217569, MedGen C0007194, MeSH D002312, MONDO:0005045, HP:0001639.

Allele frequency attached by ClinVar (database versions not stated): gnomAD exomes 0.00001; gnomAD 0.00003.
gnomAD v4.1: 4 of 1,614,002 alleles (0.00025%); highest among the groups gnomAD compares: East Asian, 0.0022%; no homozygotes.

Submissions (6):

Labcorp Genetics (formerly Invitae), Labcorp
Classification: Uncertain significance for Hypertrophic cardiomyopathy. Last evaluated: 2026-01-05. Review status: criteria provided, single submitter. Criteria: Invitae Variant Classification Sherloc (09022015). Collection method: clinical testing. Allele origin: germline.
Comment: This sequence change replaces glycine, which is neutral and non-polar, with aspartic acid, which is acidic and polar, at codon 557 of the MYBPC3 protein (p.Gly557Asp). This variant is not present in population databases (gnomAD no frequency). This missense change has been observed in individual(s) with hypertrophic cardiomyopathy, (PMID: 37466024). ClinVar contains an entry for this variant (Variation ID: 180946). An algorithm developed to predict the effect of missense changes on protein structure and function (PolyPhen-2) suggests that this variant is likely to be disruptive. In summary, the available evidence is currently insufficient to determine the role of this variant in disease. Therefore, it has been classified as a Variant of Uncertain Significance.

Color Diagnostics, LLC DBA Color Health
Classification: Uncertain significance for Cardiomyopathy. Last evaluated: 2025-07-29. Review status: criteria provided, single submitter. Criteria: ACMG Guidelines, 2015. Collection method: clinical testing. Allele origin: germline.
Comment: This missense variant replaces glycine with aspartic acid at codon 557 of the MYBPC3 protein. Computational prediction suggests that this variant may not impact protein structure and function. To our knowledge, functional studies have not been reported for this variant. This variant has not been reported in individuals affected with MYBPC3-related disorders in the literature. This variant has been identified in 1/31410 chromosomes in the general population by the Genome Aggregation Database (gnomAD). The available evidence is insufficient to determine the role of this variant in disease conclusively. Therefore, this variant is classified as a Variant of Uncertain Significance.

GeneDx
Classification: Uncertain significance. Last evaluated: 2024-05-23. Review status: criteria provided, single submitter. Criteria: GeneDx Variant Classification Process June 2021. Collection method: clinical testing. Allele origin: germline. Affected: yes.
Comment: Not observed at significant frequency in large population cohorts (gnomAD); In silico analysis indicates that this missense variant does not alter protein structure/function; Identified in an individual with hypertrophic cardiomyopathy (PMID: 37466024); This variant is associated with the following publications: (PMID: 37466024)

Department of Pathology and Laboratory Medicine, Sinai Health System
Classification: Uncertain significance for Hypertrophic cardiomyopathy 4; Left ventricular noncompaction 10. Last evaluated: 2023-10-19. Review status: criteria provided, single submitter. Criteria: ACMG Guidelines, 2015. Collection method: research. Allele origin: germline.

Blueprint Genetics
Classification: Uncertain significance. Last evaluated: 2018-07-26. Review status: criteria provided, single submitter. Criteria: ACMG Guidelines, 2015. Collection method: clinical testing. Allele origin: germline.

Laboratory for Molecular Medicine, Mass General Brigham Personalized Medicine
Classification: Uncertain significance. Last evaluated: 2015-12-10. Review status: criteria provided, single submitter. Criteria: LMM Criteria. Collection method: clinical testing. Allele origin: germline. Observed: 1 variant allele.
Comment: The p.Gly557Asp variant in MYBPC3 has not been previously reported in individual s with cardiomyopathy or in large population studies. Computational prediction tools and conservation analysis suggest that the p.Gly557Asp variant may not imp act the protein, though this information is not predictive enough to rule out pa thogenicity. In summary, the clinical significance of the p.Gly557Asp variant is uncertain.

Literature cited by the submitters: PubMed 37466024 (cited by Labcorp Genetics (formerly Invitae), Labcorp).

NM_000256.3(MYBPC3):c.1670G>A (p.Gly557Asp)

Gene: MYBPC3 (myosin binding protein C3; minus strand). Cytogenetic location: 11p11.2.
Variant type: single nucleotide variant.
Coding change: c.1670G>A on transcript NM_000256.3 (MANE Select); coding-DNA position 1670, G replaced by A.
Protein change: p.Gly557Asp; replaces glycine 557 with aspartic acid.
Molecular consequence: missense variant.
Genome position (GRCh38, 1-based): chr11:47,342,111, C>T on the plus strand (G>A on the coding strand, the complement: MYBPC3 is on the minus strand). VCF-style: chr11-47342111-C-T. GRCh37 (hg19) VCF-style: chr11-47363662-C-T.
Other names: p.G557D:GGC>GAC; short protein forms G557D.
Identifiers: ClinVar variation 180946 (VCV000180946.18), dbSNP rs730880549, ClinGen allele CA010893.